The following is an entry in ClinVar:

NM_006231.4(POLE):c.5527A>C (p.Asn1843His)

Gene: POLE (DNA polymerase epsilon, catalytic subunit; minus strand). Cytogenetic location: 12q24.33.
Variant type: single nucleotide variant.
Coding change: c.5527A>C on transcript NM_006231.4 (MANE Select); coding-DNA position 5527, A replaced by C.
Protein change: p.Asn1843His; replaces asparagine 1843 with histidine.
Molecular consequence: missense variant.
Genome position (GRCh38, 1-based): chr12:132,639,150, T>G on the plus strand (A>C on the coding strand, the complement: POLE is on the minus strand). VCF-style: chr12-132639150-T-G. GRCh37 (hg19) VCF-style: chr12-133215736-T-G.
Other names: short protein forms N1843H.
Identifiers: ClinVar variation 642205 (VCV000642205.8), dbSNP rs1593721661, ClinGen allele CA387374586.

ClinVar aggregate classification (germline): Uncertain significance (1 of 4 stars; one submission).

Submission:

Labcorp Genetics (formerly Invitae), Labcorp
Classification: Uncertain significance. Last evaluated: 2018-10-29. Review status: criteria provided, single submitter. Criteria: Invitae Variant Classification Sherloc (09022015). Collection method: clinical testing. Allele origin: germline.
Comment: In summary, the available evidence is currently insufficient to determine the role of this variant in disease. Therefore, it has been classified as a Variant of Uncertain Significance. Algorithms developed to predict the effect of missense changes on protein structure and function are either unavailable or do not agree on the potential impact of this missense change (SIFT: "Deleterious"; PolyPhen-2: "Possibly Damaging"; Align-GVGD: "Class C0"). This variant has not been reported in the literature in individuals with POLE-related disease. This variant is not present in population databases (ExAC no frequency). This sequence change replaces asparagine with histidine at codon 1843 of the POLE protein (p.Asn1843His). The asparagine residue is highly conserved and there is a small physicochemical difference between asparagine and histidine.